The following is an entry in ClinVar:

NM_004813.4(PEX16):c.802C>T (p.Arg268Trp)

Gene: PEX16 (peroxisomal biogenesis factor 16; minus strand). Cytogenetic location: 11p11.2.
Variant type: single nucleotide variant.
Coding change: c.802C>T on transcript NM_004813.4 (MANE Select); coding-DNA position 802, C replaced by T.
Protein change: p.Arg268Trp; replaces arginine 268 with tryptophan.
Molecular consequence: missense variant.
Genome position (GRCh38, 1-based): chr11:45,913,904, G>A on the plus strand (C>T on the coding strand, the complement: PEX16 is on the minus strand). VCF-style: chr11-45913904-G-A. GRCh37 (hg19) VCF-style: chr11-45935455-G-A.
Other names: c.802C>T, p.Arg268Trp (NM_057174.3); c.802C>T (NM_004813.2); short protein forms R268W.
Identifiers: ClinVar variation 291025 (VCV000291025.12), dbSNP rs886044625, ClinGen allele CA10606991.

ClinVar aggregate classification (germline): Uncertain significance. Review status: criteria provided, multiple submitters, no conflicts (2 of 4 stars). 4 submissions from 4 submitters: Uncertain significance (4). Last evaluated 2024-10-02.

Conditions:
Inborn genetic diseases. Identifiers: MedGen C0950123, MeSH D030342.
Peroxisome biogenesis disorder. Identifiers: Orphanet 79189, MedGen C1832200, MONDO:0019234. Disease mechanism: loss of function.

Allele frequency attached by ClinVar (database versions not stated): gnomAD 0.00001; gnomAD exomes 0.00002; TOPMed 0.00007.

Submissions (4):

Blueprint Genetics
Classification: Uncertain significance. Last evaluated: 2024-10-02. Review status: criteria provided, single submitter. Criteria: ACMG Guidelines, 2015. Collection method: clinical testing. Allele origin: germline.

Ambry Genetics
Classification: Uncertain significance for Inborn genetic diseases. Last evaluated: 2024-05-30. Review status: criteria provided, single submitter. Criteria: Ambry Variant Classification Scheme 2023. Collection method: clinical testing. Allele origin: germline.

Labcorp Genetics (formerly Invitae), Labcorp
Classification: Uncertain significance for Peroxisome biogenesis disorder. Last evaluated: 2022-07-19. Review status: criteria provided, single submitter. Criteria: Invitae Variant Classification Sherloc (09022015). Collection method: clinical testing. Allele origin: germline.
Comment: This sequence change replaces arginine, which is basic and polar, with tryptophan, which is neutral and slightly polar, at codon 268 of the PEX16 protein (p.Arg268Trp). This variant is present in population databases (no rsID available, gnomAD 0.009%). This variant has not been reported in the literature in individuals affected with PEX16-related conditions. ClinVar contains an entry for this variant (Variation ID: 291025). Algorithms developed to predict the effect of missense changes on protein structure and function are either unavailable or do not agree on the potential impact of this missense change (SIFT: "Deleterious"; PolyPhen-2: "Possibly Damaging"; Align-GVGD: "Class C0"). In summary, the available evidence is currently insufficient to determine the role of this variant in disease. Therefore, it has been classified as a Variant of Uncertain Significance.

Eurofins Ntd Llc (ga)
Classification: Uncertain significance. Last evaluated: 2018-02-22. Review status: criteria provided, single submitter. Criteria: EGL ClinVar v180209 classification definitions. Collection method: clinical testing. Allele origin: germline. Observed: 2 variant alleles, 2 heterozygotes.